The following is an entry in ClinVar:

ClinVar aggregate classification (germline): Uncertain significance (1 of 4 stars; one submission).

Conditions:
Thrombophilia due to protein S deficiency, autosomal recessive (THPH6). Identifiers: Orphanet 743, MedGen C3281092, MONDO:0013791, OMIM 614514. Disease mechanism: loss of function.

Allele frequency attached by ClinVar (database versions not stated): gnomAD 0.00001.
gnomAD v4.1: 1 of 1,613,174 alleles (0.000062%); highest among the groups gnomAD compares: Admixed American, 0.0017%; no homozygotes.

Submission:

Labcorp Genetics (formerly Invitae), Labcorp
Classification: Uncertain significance for Thrombophilia due to protein S deficiency, autosomal recessive. Last evaluated: 2021-01-28. Review status: criteria provided, single submitter. Criteria: Invitae Variant Classification Sherloc (09022015). Collection method: clinical testing. Allele origin: germline.
Comment: This sequence change replaces proline with serine at codon 631 of the PROS1 protein (p.Pro631Ser). The proline residue is highly conserved and there is a moderate physicochemical difference between proline and serine. This variant is not present in population databases (ExAC no frequency). In summary, the available evidence is currently insufficient to determine the role of this variant in disease. Therefore, it has been classified as a Variant of Uncertain Significance. Algorithms developed to predict the effect of missense changes on protein structure and function are either unavailable or do not agree on the potential impact of this missense change (SIFT: "Tolerated"; PolyPhen-2: "Probably Damaging"; Align-GVGD: "Class C0"). This variant has not been reported in the literature in individuals with PROS1-related conditions.

NM_000313.4(PROS1):c.1891C>T (p.Pro631Ser)

Gene: PROS1 (protein S; minus strand). Cytogenetic location: 3q11.1.
Variant type: single nucleotide variant.
Coding change: c.1891C>T on transcript NM_000313.4 (MANE Select); coding-DNA position 1891, C replaced by T.
Protein change: p.Pro631Ser; replaces proline 631 with serine.
Molecular consequence: missense variant.
Genome position (GRCh38, 1-based): chr3:93,874,385, G>A on the plus strand (C>T on the coding strand, the complement: PROS1 is on the minus strand). VCF-style: chr3-93874385-G-A. GRCh37 (hg19) VCF-style: chr3-93593229-G-A.
Other names: c.1987C>T, p.Pro663Ser (NM_001314077.2); short protein forms P663S, P631S.
Identifiers: ClinVar variation 1476728 (VCV001476728.8), dbSNP rs1708153020, ClinGen allele CA353670108.
Genomic context (GRCh38, chr3:93,874,385, plus strand): 5'-GATCCAACTGTACACCATTAATATTCACTTCCATGCAGCCATTATAAAAGGCATTCACTG[G>A]TGTGGCACTGAATGGAACATCTGTAAAAGGAAAATATTAGAATATTAGTCCAAGACTTTT-3'
Protein context (NP_000304.2, residues 621-641): GLPDVPFSAT[Pro631Ser]VNAFYNGCME